The following is an entry in ClinVar:

ClinVar aggregate classification (germline): Uncertain significance (1 of 4 stars; one submission).

Conditions:
Peroxisome biogenesis disorder. Identifiers: Orphanet 79189, MedGen C1832200, MONDO:0019234. Disease mechanism: loss of function.

Submission:

Labcorp Genetics (formerly Invitae), Labcorp
Classification: Uncertain significance for Peroxisome biogenesis disorder. Last evaluated: 2025-06-20. Review status: criteria provided, single submitter. Criteria: Invitae Variant Classification Sherloc (09022015). Collection method: clinical testing. Allele origin: germline.
Comment: This sequence change replaces glutamic acid, which is acidic and polar, with valine, which is neutral and non-polar, at codon 246 of the PEX6 protein (p.Glu246Val). This variant is not present in population databases (gnomAD no frequency). This variant has not been reported in the literature in individuals affected with PEX6-related conditions. ClinVar contains an entry for this variant (Variation ID: 1009780). An algorithm developed to predict the effect of missense changes on protein structure and function (PolyPhen-2) suggests that this variant is likely to be tolerated. In summary, the available evidence is currently insufficient to determine the role of this variant in disease. Therefore, it has been classified as a Variant of Uncertain Significance.

NM_000287.4(PEX6):c.737A>T (p.Glu246Val)

Gene: PEX6 (peroxisomal biogenesis factor 6; minus strand). Cytogenetic location: 6p21.1.
Variant type: single nucleotide variant.
Coding change: c.737A>T on transcript NM_000287.4 (MANE Select); coding-DNA position 737, A replaced by T.
Protein change: p.Glu246Val; replaces glutamic acid 246 with valine.
Molecular consequence: missense variant. On other transcripts: non-coding transcript variant (1), intron variant (1).
Genome position (GRCh38, 1-based): chr6:42,978,414, T>A on the plus strand (A>T on the coding strand, the complement: PEX6 is on the minus strand). VCF-style: chr6-42978414-T-A. GRCh37 (hg19) VCF-style: chr6-42946152-T-A.
Other names: c.618+119A>T (NM_001316313.2); short protein forms E246V.
Identifiers: ClinVar variation 1009780 (VCV001009780.9), dbSNP rs1770401105, ClinGen allele CA364162421.